The following is an entry in ClinVar:

NM_001366521.1(ATP2B1):c.2620G>A (p.Ala874Thr)

Gene: ATP2B1 (ATPase plasma membrane Ca2+ transporting 1; minus strand). Cytogenetic location: 12q21.33.
Variant type: single nucleotide variant.
Coding change: c.2620G>A on transcript NM_001366521.1 (MANE Select); coding-DNA position 2620, G replaced by A.
Protein change: p.Ala874Thr; replaces alanine 874 with threonine.
Molecular consequence: missense variant. On other transcripts: non-coding transcript variant (3).
Genome position (GRCh38, 1-based): chr12:89,604,169, C>T on the plus strand (G>A on the coding strand, the complement: ATP2B1 is on the minus strand). VCF-style: chr12-89604169-C-T. GRCh37 (hg19) VCF-style: chr12-89997946-C-T.
Other names: c.2620G>A, p.Ala874Thr (NM_001001323.2, NM_001366520.1, NM_001366522.1 and 12 more transcripts); c.2422G>A, p.Ala808Thr (NM_001366530.1, NM_001413053.1); c.2059G>A, p.Ala687Thr (NM_001366531.1, NM_001366532.1, NM_001413058.1 and 2 more transcripts); c.2581G>A, p.Ala861Thr (NM_001413048.1); c.2479G>A, p.Ala827Thr (NM_001413051.1, NM_001413052.1, NM_001413055.1); c.2377G>A, p.Ala793Thr (NM_001413054.1); c.2365G>A, p.Ala789Thr (NM_001413056.1); c.2167G>A, p.Ala723Thr (NM_001413057.1); short protein forms A687T, A723T, A789T, A793T, A808T, A827T, A861T, A874T.
Identifiers: ClinVar variation 3373030 (VCV003373030.1).
Genomic context (GRCh38, chr12:89,604,169, plus strand): 5'-TTTAAATTTAAAGTAAACAAGTTTTGATAGACAAGTCATCACCTACTTGAGTAATGCAGG[C>T]GCCCGTAAAAGCAACAATCACTGCTACTACATTAACAGTAAGTTGGAACTGAAGGAATTT-3'
Protein context (NP_001353450.1, residues 864-884): VVAVIVAFTG[Ala874Thr]CITQDSPLKA

ClinVar aggregate classification (germline): Uncertain significance (1 of 4 stars; one submission).

gnomAD v4.1: 1 of 1,613,452 alleles (0.000062%); no homozygotes.

Submission:

GeneDx
Classification: Uncertain significance. Last evaluated: 2024-04-23. Review status: criteria provided, single submitter. Criteria: GeneDx Variant Classification Process June 2021. Collection method: clinical testing. Allele origin: germline. Affected: yes.
Comment: Not observed at significant frequency in large population cohorts (gnomAD); In silico analysis supports that this missense variant has a deleterious effect on protein structure/function; Has not been previously published as pathogenic or benign to our knowledge